The following is an entry in ClinVar:

ClinVar aggregate classification (germline): Likely pathogenic. Review status: criteria provided, multiple submitters, no conflicts (2 of 4 stars). 3 submissions from 3 submitters: Likely pathogenic (3). Last evaluated 2023-07-14.

Conditions:
Marfan syndrome (MFS). Also called: Marfan syndrome, classic; Marfan syndrome type 1; Marfan's syndrome; MARFAN SYNDROME, TYPE I; FBN1-Related Marfan Syndrome. Identifiers: Orphanet 284963, Orphanet 558, MedGen C0024796, MONDO:0007947, OMIM 154700.
Familial thoracic aortic aneurysm and aortic dissection (TAAD). Also called: Thoracic aortic aneurysms and dissections. Identifiers: Orphanet 91387, MedGen C4707243, MONDO:0019625.

Submissions (3):

Labcorp Genetics (formerly Invitae), Labcorp
Classification: Likely pathogenic for Marfan syndrome; Familial thoracic aortic aneurysm and aortic dissection. Last evaluated: 2023-07-14. Review status: criteria provided, single submitter. Criteria: Invitae Variant Classification Sherloc (09022015). Collection method: clinical testing. Allele origin: germline.
Comment: In summary, the currently available evidence indicates that the variant is pathogenic, but additional data are needed to prove that conclusively. Therefore, this variant has been classified as Likely Pathogenic. This variant affects a cysteine residue in the EGF-like, TGFBP or hybrid motif domains of FBN1. Cysteine residues are believed to be involved in intramolecular disulfide bridges and have been shown to be important for FBN1 protein structure (PMID: 16905551, 19349279). In addition, missense substitutions affecting cysteine residues within these domains are significantly overrepresented among patients with Marfan syndrome (PMID: 16571647, 17701892). Advanced modeling of protein sequence and biophysical properties (such as structural, functional, and spatial information, amino acid conservation, physicochemical variation, residue mobility, and thermodynamic stability) performed at Invitae indicates that this missense variant is expected to disrupt FBN1 protein function. ClinVar contains an entry for this variant (Variation ID: 372558). This variant has not been reported in the literature in individuals affected with FBN1-related conditions. This variant is not present in population databases (gnomAD no frequency). This sequence change replaces cysteine, which is neutral and slightly polar, with tyrosine, which is neutral and polar, at codon 2029 of the FBN1 protein (p.Cys2029Tyr).

Victorian Clinical Genetics Services, Murdoch Childrens Research Institute
Classification: Likely pathogenic for Marfan syndrome. Last evaluated: 2020-05-21. Review status: criteria provided, single submitter. Criteria: ACMG Guidelines, 2015. Collection method: clinical testing. Allele origin: germline. Affected: yes.
Comment: A heterozygous missense variant was identified, NM_000138.4(FBN1):c.6086G>A in exon 50 of the FBN1 gene. This substitution is predicted to create a major amino acid change from a cysteine to a tyrosine at position 2029 of the protein; NP_000129.3(FBN1):p.(Cys2029Tyr). The cysteine at this position has very high conservation (100 vertebrates, UCSC), and is located within a disulphide bond in the EGF-like 35 calcium binding domain (NCBI, PDB). In silico software predicts this variant to be damaging (PolyPhen2, SIFT, CADD, Mutation Taster). The variant is not present in the gnomAD population database and has previously been reported as likely pathogenic (ClinVar). Two different variants in the same codon resulting in a change to a tryptophan and serine has been reported as likely pathogenic and VUS, respectively (ClinVar). Based on information available at the time of curation, this variant has been classified as LIKELY PATHOGENIC.

GeneDx
Classification: Likely pathogenic. Last evaluated: 2016-04-25. Review status: criteria provided, single submitter. Criteria: GeneDx Variant Classification (06012015). Collection method: clinical testing. Allele origin: germline. Affected: yes.
Comment: The C2029Y variant has notbeen published as a pathogenic variant, nor has it been reported as a benign variant to our knowledge. The C2029Yvariant was not observed in approximately 6,500 individuals of European and African American ancestry in theNHLBI Exome Sequencing Project, indicating it is not a common benign variant in these populations. The C2029Yvariant is a non-conservative amino acid substitution, which is likely to impact secondary protein structure as theseresidues differ in polarity, charge, size and/or other properties. Furthermore, this substitution occurs at a position thatis conserved across species and in silico analysis predicts this variant is probably damaging to the proteinstructure/function. Additionally, the C2029Y variant affects a Cysteine residue within a calcium-binding EGF-likedomain of the FBN1 gene, which may affect disulfide bonding and is predicted to alter the structure and function ofthe protein. Cysteine substitutions in the calcium-binding EGF-like domains represent the majority of pathogenicmissense changes associated with Marfan syndrome (Collod-Beroud et al., 2003).Therefore, this variant is likely pathogenic.

Literature cited by the submitters: PubMed 16905551 (cited by Labcorp Genetics (formerly Invitae), Labcorp); PubMed 19349279 (cited by Labcorp Genetics (formerly Invitae), Labcorp); PubMed 16571647 (cited by Labcorp Genetics (formerly Invitae), Labcorp); PubMed 17701892 (cited by Labcorp Genetics (formerly Invitae), Labcorp).

NM_000138.5(FBN1):c.6086G>A (p.Cys2029Tyr)

Gene: FBN1 (fibrillin 1; minus strand). Cytogenetic location: 15q21.1.
Variant type: single nucleotide variant.
Coding change: c.6086G>A on transcript NM_000138.5 (MANE Select); coding-DNA position 6086, G replaced by A.
Protein change: p.Cys2029Tyr; replaces cysteine 2029 with tyrosine.
Molecular consequence: missense variant.
Genome position (GRCh38, 1-based): chr15:48,441,798, C>T on the plus strand (G>A on the coding strand, the complement: FBN1 is on the minus strand). VCF-style: chr15-48441798-C-T. GRCh37 (hg19) VCF-style: chr15-48733995-C-T.
Other names: short protein forms C2029Y.
Identifiers: ClinVar variation 372558 (VCV000372558.5), dbSNP rs1057517855, ClinGen allele CA16042943.